The following is an entry in ClinVar:

NM_000257.4(MYH7):c.896-2A>G

Gene: MYH7 (myosin heavy chain 7; minus strand). Cytogenetic location: 14q11.2.
Variant type: single nucleotide variant.
Coding change: c.896-2A>G on transcript NM_000257.4 (MANE Select); the canonical splice acceptor site of the intron before coding-DNA position 896, A replaced by G.
Molecular consequence: splice acceptor variant.
Genome position (GRCh38, 1-based): chr14:23,430,665, T>C on the plus strand (A>G on the coding strand, the complement: MYH7 is on the minus strand). VCF-style: chr14-23430665-T-C. GRCh37 (hg19) VCF-style: chr14-23899874-T-C.
Other names: c.896-2A>G (NM_001407004.1).
Identifiers: ClinVar variation 1044286 (VCV001044286.7), dbSNP rs112886469, ClinGen allele CA257825451.

ClinVar aggregate classification (germline): Uncertain significance (1 of 4 stars; one submission).

Conditions:
Hypertrophic cardiomyopathy. Also called: HYPERTROPHIC MYOCARDIOPATHY. Identifiers: Orphanet 217569, MedGen C0007194, MeSH D002312, MONDO:0005045, HP:0001639.

Allele frequency attached by ClinVar (database versions not stated): gnomAD exomes below 0.00001.
gnomAD v4.1: 1 of 1,612,758 alleles (0.000062%); highest among the groups gnomAD compares: Non-Finnish European, 0.000085%; no homozygotes.

Submission:

Labcorp Genetics (formerly Invitae), Labcorp
Classification: Uncertain significance for Hypertrophic cardiomyopathy. Last evaluated: 2020-08-14. Review status: criteria provided, single submitter. Criteria: Invitae Variant Classification Sherloc (09022015). Collection method: clinical testing. Allele origin: germline.
Comment: In summary, the available evidence is currently insufficient to determine the role of this variant in disease. Therefore, it has been classified as a Variant of Uncertain Significance. The current clinical and genetic evidence is not sufficient to establish whether loss-of-function variants in MYH7 cause disease. Algorithms developed to predict the effect of sequence changes on RNA splicing suggest that this variant may disrupt the consensus splice site, but this prediction has not been confirmed by published transcriptional studies. This variant has not been reported in the literature in individuals with MYH7-related conditions. This variant is not present in population databases (ExAC no frequency). This sequence change affects an acceptor splice site in intron 10 of the MYH7 gene. It is expected to disrupt RNA splicing and likely results in an absent or disrupted protein product.